The following is an entry in ClinVar:

ClinVar aggregate classification (germline): Uncertain significance. Review status: criteria provided, multiple submitters, no conflicts (2 of 4 stars). 3 submissions from 3 submitters: Uncertain significance (3). Last evaluated 2025-12-20.

Conditions:
Hemolytic anemia due to pyrimidine 5' nucleotidase deficiency (CNSHA8). Also called: HEMOLYTIC ANEMIA DUE TO P5N DEFICIENCY; HEMOLYTIC ANEMIA DUE TO UMPH1 DEFICIENCY; P5N DEFICIENCY; PYRIMIDINE 5-PRIME NUCLEOTIDASE DEFICIENCY, HEMOLYTIC ANEMIA DUE TO; UMPH1 DEFICIENCY. Identifiers: Orphanet 35120, MedGen C1849507, MONDO:0009946, OMIM 266120.

Allele frequency attached by ClinVar (database versions not stated): gnomAD exomes 0.00006 and 0.00002; TOPMed below 0.00001; ExAC 0.00001.
gnomAD v4.1: 92 of 1,613,684 alleles (0.0057%); highest among the groups gnomAD compares: Non-Finnish European, 0.0073%; no homozygotes.

Submissions (3):

Labcorp Genetics (formerly Invitae), Labcorp
Classification: Uncertain significance. Last evaluated: 2025-12-20. Review status: criteria provided, single submitter. Criteria: Invitae Variant Classification Sherloc (09022015). Collection method: clinical testing. Allele origin: germline.
Comment: This sequence change replaces proline, which is neutral and non-polar, with threonine, which is neutral and polar, at codon 159 of the NT5C3A protein (p.Pro159Thr). This variant is present in population databases (rs780736989, gnomAD 0.004%). This variant has not been reported in the literature in individuals affected with NT5C3A-related conditions. ClinVar contains an entry for this variant (Variation ID: 1330398). Invitae Evidence Modeling of protein sequence and biophysical properties (such as structural, functional, and spatial information, amino acid conservation, physicochemical variation, residue mobility, and thermodynamic stability) indicates that this missense variant is expected to disrupt NT5C3A protein function with a positive predictive value of 80%. In summary, the available evidence is currently insufficient to determine the role of this variant in disease. Therefore, it has been classified as a Variant of Uncertain Significance.

Ambry Genetics
Classification: Uncertain significance. Last evaluated: 2024-10-03. Review status: criteria provided, single submitter. Criteria: Ambry Variant Classification Scheme 2023. Collection method: clinical testing. Allele origin: germline.

ARUP Laboratories, Molecular Genetics and Genomics, ARUP Laboratories
Classification: Uncertain significance for Hemolytic anemia due to pyrimidine 5' nucleotidase deficiency. Last evaluated: 2021-03-02. Review status: criteria provided, single submitter. Criteria: ARUP Molecular Germline Variant Investigation Process 2021. Collection method: clinical testing. Allele origin: germline.

NM_001002010.5(NT5C3A):c.577C>A (p.Pro193Thr)

Gene: NT5C3A (5'-nucleotidase, cytosolic IIIA; minus strand). Cytogenetic location: 7p14.3.
Variant type: single nucleotide variant.
Coding change: c.577C>A on transcript NM_001002010.5 (MANE Select); coding-DNA position 577, C replaced by A.
Protein change: p.Pro193Thr; replaces proline 193 with threonine.
Molecular consequence: missense variant.
Genome position (GRCh38, 1-based): chr7:33,017,555, G>T on the plus strand (C>A on the coding strand, the complement: NT5C3A is on the minus strand). VCF-style: chr7-33017555-G-T. GRCh37 (hg19) VCF-style: chr7-33057167-G-T.
Other names: c.475C>A, p.Pro159Thr (NM_001002009.3, NM_016489.14); c.439C>A, p.Pro147Thr (NM_001166118.3, NM_001356996.3, NM_001374336.1 and 1 more transcripts); c.478C>A, p.Pro160Thr (NM_001374335.1); c.577C>A, p.Pro193Thr (NM_001374338.1); c.376C>A, p.Pro126Thr (NM_001374339.1); c.475C>A (NM_016489.11); short protein forms P126T, P147T, P159T, P160T, P193T.
Identifiers: ClinVar variation 1330398 (VCV001330398.9), dbSNP rs780736989, ClinGen allele CA4213368.